The following is an entry in ClinVar:

ClinVar aggregate classification (germline): Uncertain significance (1 of 4 stars; one submission).

Allele frequency attached by ClinVar (database versions not stated): TOPMed below 0.00001.

Submission:

Labcorp Genetics (formerly Invitae), Labcorp
Classification: Uncertain significance. Last evaluated: 2022-02-22. Review status: criteria provided, single submitter. Criteria: Invitae Variant Classification Sherloc (09022015). Collection method: clinical testing. Allele origin: germline.
Comment: In summary, the available evidence is currently insufficient to determine the role of this variant in disease. Therefore, it has been classified as a Variant of Uncertain Significance. Algorithms developed to predict the effect of sequence changes on RNA splicing suggest that this variant may disrupt the consensus splice site. This variant has not been reported in the literature in individuals affected with NIN-related conditions. This variant is not present in population databases (gnomAD no frequency). This sequence change affects an acceptor splice site in intron 16 of the NIN gene. It is expected to disrupt RNA splicing. Variants that disrupt the donor or acceptor splice site typically lead to a loss of protein function (PMID: 16199547), however the current clinical and genetic evidence is not sufficient to establish whether loss-of-function variants in NIN cause disease.

Literature cited by the submitters: PubMed 16199547.

NM_020921.4(NIN):c.1897-2A>G

Gene: NIN (ninein; minus strand). Cytogenetic location: 14q22.1.
Variant type: single nucleotide variant.
Coding change: c.1897-2A>G on transcript NM_020921.4 (MANE Select); the canonical splice acceptor site of the intron before coding-DNA position 1897, A replaced by G.
Molecular consequence: splice acceptor variant.
Genome position (GRCh38, 1-based): chr14:50,760,361, T>C on the plus strand (A>G on the coding strand, the complement: NIN is on the minus strand). VCF-style: chr14-50760361-T-C. GRCh37 (hg19) VCF-style: chr14-51227079-T-C.
Other names: c.1897-2A>G (NM_016350.5, NM_182946.2, NM_182944.3).
Identifiers: ClinVar variation 1981227 (VCV001981227.4), dbSNP rs2042226244, ClinGen allele CA389703508.